The following is an entry in ClinVar:

NM_000393.5(COL5A2):c.1159-13T>C

Gene: COL5A2 (collagen type V alpha 2 chain; minus strand). Cytogenetic location: 2q32.2.
Variant type: single nucleotide variant.
Coding change: c.1159-13T>C on transcript NM_000393.5 (MANE Select); 13 bases into the intron before coding-DNA position 1159, T replaced by C.
Molecular consequence: intron variant.
Genome position (GRCh38, 1-based): chr2:189,068,897, A>G on the plus strand (T>C on the coding strand, the complement: COL5A2 is on the minus strand). VCF-style: chr2-189068897-A-G. GRCh37 (hg19) VCF-style: chr2-189933623-A-G.
Identifiers: ClinVar variation 377733 (VCV000377733.6), dbSNP rs756321922, ClinGen allele CA2022793.

ClinVar aggregate classification (germline): Likely benign. Review status: criteria provided, multiple submitters, no conflicts (2 of 4 stars). 2 submissions from 2 submitters: Likely benign (2). Last evaluated 2025-05-01.

Conditions:
Ehlers-Danlos syndrome, classic type, 1 (EDSCL1). Also called: EHLERS-DANLOS SYNDROME, GRAVIS TYPE; EHLERS-DANLOS SYNDROME, SEVERE CLASSIC TYPE; Ehlers-Danlos Syndrome, Classic Type, COL5A1-Related; EDS I; Ehlers-Danlos syndrome, type 1. Identifiers: MedGen C0268335, MONDO:0019567, OMIM 130000.

Allele frequency attached by ClinVar (database versions not stated): gnomAD 0.00001; gnomAD exomes 0.00002; TOPMed 0.00002; ExAC 0.00001.
gnomAD v4.1: 35 of 1,557,786 alleles (0.0022%); highest among the groups gnomAD compares: Non-Finnish European, 0.0031%; no homozygotes.

Submissions (2):

Labcorp Genetics (formerly Invitae), Labcorp
Classification: Likely benign for Ehlers-Danlos syndrome, classic type, 1. Last evaluated: 2025-05-01. Review status: criteria provided, single submitter. Criteria: Invitae Variant Classification Sherloc (09022015). Collection method: clinical testing. Allele origin: germline.

GeneDx
Classification: Likely benign. Last evaluated: 2016-04-05. Review status: criteria provided, single submitter. Criteria: GeneDx Variant Classification (06012015). Collection method: clinical testing. Allele origin: germline. Affected: yes.
Comment: This variant is considered likely benign or benign based on one or more of the following criteria: it is a conservative change, it occurs at a poorly conserved position in the protein, it is predicted to be benign by multiple in silico algorithms, and/or has population frequency not consistent with disease.